The following is an entry in ClinVar:

NM_001035.3(RYR2):c.5601G>C (p.Glu1867Asp)

Gene: RYR2 (ryanodine receptor 2; plus strand). Cytogenetic location: 1q43.
Variant type: single nucleotide variant.
Coding change: c.5601G>C on transcript NM_001035.3 (MANE Select); coding-DNA position 5601, G replaced by C.
Protein change: p.Glu1867Asp; replaces glutamic acid 1867 with aspartic acid.
Molecular consequence: missense variant.
Genome position (GRCh38, 1-based): chr1:237,614,729, G>C. VCF-style: chr1-237614729-G-C. GRCh37 (hg19) VCF-style: chr1-237778029-G-C.
Other names: short protein forms E1867D.
Identifiers: ClinVar variation 4756764 (VCV004756764.1).

ClinVar aggregate classification (germline): Uncertain significance (1 of 4 stars; one submission).

Conditions:
Cardiomyopathy (CMYO). Also called: Cardiomyopathies. Identifiers: Orphanet 167848, MedGen C0878544, MONDO:0004994, HP:0001638. Inheritance: Various modes of inheritance.

Submission:

Color Diagnostics, LLC DBA Color Health
Classification: Uncertain significance for Cardiomyopathy. Last evaluated: 2025-06-03. Review status: criteria provided, single submitter. Criteria: ACMG Guidelines, 2015. Collection method: clinical testing. Allele origin: germline.
Comment: This missense variant replaces glutamic acid with aspartic acid at codon 1867 of the RYR2 protein. Computational prediction suggests that this variant may not impact protein structure and function. To our knowledge, functional studies have not been reported for this variant. This variant has not been reported in individuals affected with RYR2-related disorders in the literature. This variant has not been identified in the general population by the Genome Aggregation Database (gnomAD). The available evidence is insufficient to determine the role of this variant in disease conclusively. Therefore, this variant is classified as a Variant of Uncertain Significance.